The following is an entry in ClinVar:

ClinVar aggregate classification (germline): Pathogenic (1 of 4 stars; one submission).

Conditions:
Hereditary cancer-predisposing syndrome. Also called: Neoplastic Syndromes, Hereditary; Tumor predisposition; Hereditary neoplastic syndrome; Hereditary Cancer Syndrome. Identifiers: Orphanet 140162, MedGen C0027672, MeSH D009386, MONDO:0015356.

Submission:

Ambry Genetics
Classification: Pathogenic for Hereditary cancer-predisposing syndrome. Last evaluated: 2026-07-30. Review status: criteria provided, single submitter. Criteria: Ambry Variant Classification Scheme 2023. Collection method: clinical testing. Allele origin: germline.
Comment: The c.2252_2256delTGTTA pathogenic mutation, located in coding exon 9 of the BRCA1 gene, results from a deletion of 5 nucleotides at nucleotide positions 2252 to 2256, causing a translational frameshift with a predicted alternate stop codon (p.M751Kfs*9). This variant is considered to be rare based on population cohorts in the Genome Aggregation Database (gnomAD). This variant is expected to result in loss of function by premature protein truncation or nonsense-mediated mRNA decay. As such, this variant is interpreted as a disease-causing mutation.

NM_007294.4(BRCA1):c.2252_2256del (p.Met751fs)

Gene: BRCA1 (BRCA1 DNA repair associated; minus strand). Cytogenetic location: 17q21.31.
Variant type: Deletion.
Coding change: c.2252_2256del on transcript NM_007294.4 (MANE Select); coding-DNA positions 2252 to 2256, 5 bases deleted (TGTTA; older notation c.2252_2256delTGTTA).
Protein change: p.Met751fs; shifts the reading frame from methionine 751.
Molecular consequence: frameshift variant. On other transcripts: intron variant (137).
Genome position (GRCh38, 1-based): chr17:43,093,275-43,093,279, TAACA deleted on the plus strand (TGTTA on the coding strand, the reverse complement: BRCA1 is on the minus strand); deleting any 5 consecutive bases within chr17:43,093,275-43,093,280 gives the same sequence; the c. name uses the placement nearest the transcript's 3' end. VCF-style (leftmost placement, unchanged base first): chr17-43093274-TTAACA-T. GRCh37 (hg19) VCF-style: chr17-41245291-TTAACA-T.
Other names: c.2249_2253del, p.Met750fs (NM_001407633.1, NM_001407634.1, NM_001407635.1 and 22 more transcripts); c.2252_2256del, p.Met751fs (NM_001407639.1, NM_001407640.1, NM_001407641.1 and 30 more transcripts); c.2252_2256delTGTTA (NM_007294.3); c.1985_1989del, p.Met662fs (NM_001407931.1, NM_001407932.1, NM_001407934.1 and 2 more transcripts); c.1988_1992del, p.Met663fs (NM_001407933.1, NM_001407935.1, NM_001407920.1 and 9 more transcripts); c.2129_2133del, p.Met710fs (NM_001407937.1, NM_001407938.1, NM_001407939.1 and 19 more transcripts); c.2126_2130del, p.Met709fs (NM_001407940.1, NM_001407941.1, NM_001407649.1 and 11 more transcripts); c.2111_2115del, p.Met704fs (NM_001407942.1, NM_001407944.1, NM_001407945.1 and 29 more transcripts); and 42 more; short protein forms M680fs, M704fs, M583fs, M624fs, M640fs, M683fs, M684fs, M710fs.
Identifiers: ClinVar variation 5033198 (VCV005033198.1).